The following is an entry in ClinVar:

ClinVar aggregate classification (germline): Uncertain significance (1 of 4 stars; one submission).

Submission:

GeneDx
Classification: Uncertain significance. Last evaluated: 2024-05-12. Review status: criteria provided, single submitter. Criteria: GeneDx Variant Classification Process June 2021. Collection method: clinical testing. Allele origin: germline. Affected: yes.
Comment: Not observed at significant frequency in large population cohorts (gnomAD); Nonsense variant predicted to result in protein truncation as the last 29 amino acids are lost, although loss-of-function variants have not been reported downstream of this position in the protein; Has not been previously published as pathogenic or benign to our knowledge

NM_020442.6(VARS2):c.3103C>T (p.Gln1035Ter)

Gene: VARS2 (valyl-tRNA synthetase 2, mitochondrial; plus strand). Cytogenetic location: 6p21.33.
Variant type: single nucleotide variant.
Coding change: c.3103C>T on transcript NM_020442.6 (MANE Select); coding-DNA position 3103, C replaced by T.
Protein change: p.Gln1035Ter; replaces glutamine 1035 with a stop codon.
Molecular consequence: nonsense.
Genome position (GRCh38, 1-based): chr6:30,926,121, C>T. VCF-style: chr6-30926121-C-T. GRCh37 (hg19) VCF-style: chr6-30893898-C-T.
Other names: c.2683C>T, p.Gln895Ter (NM_001167733.3); c.3193C>T, p.Gln1065Ter (NM_001167734.2); short protein forms Q1035*, Q1065*, Q895*.
Identifiers: ClinVar variation 3378354 (VCV003378354.1).
Genomic context (GRCh38, chr6:30,926,121, plus strand): 5'-AGGAGGGGCCTCATTCCTGGATCCTCACCTCCTTTTCTCCTCGTCCAGCTTTCTTCCCTC[C>T]AGCTGGAATTGTCAAAACTGGACAAGGCAGCCTCTCACCTCCGGCAGCTGATGGATGAGC-3'